The following is an entry in ClinVar:

ClinVar aggregate classification (germline): Uncertain significance. Review status: criteria provided, multiple submitters, no conflicts (2 of 4 stars). 3 submissions from 3 submitters: Uncertain significance (3). Last evaluated 2023-04-22.

Conditions:
Hereditary cancer-predisposing syndrome. Also called: Hereditary Cancer Syndrome; Hereditary neoplastic syndrome; Neoplastic Syndromes, Hereditary; Tumor predisposition. Identifiers: Orphanet 140162, MedGen C0027672, MeSH D009386, MONDO:0015356.
Hereditary breast ovarian cancer syndrome. Also called: Hereditary breast and ovarian cancer; Breast and ovarian cancer; Hereditary breast and ovarian cancer syndrome; Hereditary breast and/or ovarian cancer syndrome; BRCA1- and BRCA2-Associated Hereditary Breast and Ovarian Cancer; Hereditary breast and ovarian cancer syndrome (HBOC). Identifiers: Orphanet 145, MedGen C0677776, MeSH D061325, MONDO:0003582. Disease mechanism: loss of function.

Submissions (3):

Labcorp Genetics (formerly Invitae), Labcorp
Classification: Uncertain significance for Hereditary breast ovarian cancer syndrome. Last evaluated: 2023-04-22. Review status: criteria provided, single submitter. Criteria: Invitae Variant Classification Sherloc (09022015). Collection method: clinical testing. Allele origin: germline.
Comment: This missense change has been observed in individual(s) with breast or ovarian cancer (PMID: 31159747). In summary, the available evidence is currently insufficient to determine the role of this variant in disease. Therefore, it has been classified as a Variant of Uncertain Significance. Advanced modeling of protein sequence and biophysical properties (such as structural, functional, and spatial information, amino acid conservation, physicochemical variation, residue mobility, and thermodynamic stability) performed at Invitae indicates that this missense variant is not expected to disrupt BRCA1 protein function. ClinVar contains an entry for this variant (Variation ID: 441381). This variant is not present in population databases (gnomAD no frequency). This sequence change replaces tyrosine, which is neutral and polar, with cysteine, which is neutral and slightly polar, at codon 1509 of the BRCA1 protein (p.Tyr1509Cys).

Ambry Genetics
Classification: Uncertain significance for Hereditary cancer-predisposing syndrome. Last evaluated: 2022-08-03. Review status: criteria provided, single submitter. Criteria: Ambry Variant Classification Scheme 2023. Collection method: clinical testing. Allele origin: germline.
Comment: The p.Y1509C variant (also known as c.4526A>G), located in coding exon 13 of the BRCA1 gene, results from an A to G substitution at nucleotide position 4526. The tyrosine at codon 1509 is replaced by cysteine, an amino acid with highly dissimilar properties. This alteration has been reported in 1/1197 individuals from Greece, Romania, and Turkey undergoing evaluation for inherited cancer predisposition (Tsaousis GN et al. BMC Cancer, 2019 Jun;19:535). This amino acid position is not well conserved in available vertebrate species. In addition, the in silico prediction for this alteration is inconclusive. Since supporting evidence is limited at this time, the clinical significance of this alteration remains unclear.

GeneKor MSA
Classification: Uncertain significance for Hereditary cancer-predisposing syndrome. Last evaluated: 2018-08-01. Review status: criteria provided, single submitter. Criteria: ACMG Guidelines, 2015. Collection method: clinical testing. Allele origin: germline. Affected: no.

Literature cited by the submitters: PubMed 31159747 (cited by Labcorp Genetics (formerly Invitae), Labcorp and Ambry Genetics).

NM_007294.4(BRCA1):c.4526A>G (p.Tyr1509Cys)

Gene: BRCA1 (BRCA1 DNA repair associated; minus strand). Cytogenetic location: 17q21.31.
Variant type: single nucleotide variant.
Coding change: c.4526A>G on transcript NM_007294.4 (MANE Select); coding-DNA position 4526, A replaced by G.
Protein change: p.Tyr1509Cys; replaces tyrosine 1509 with cysteine.
Molecular consequence: missense variant. On other transcripts: non-coding transcript variant (1).
Genome position (GRCh38, 1-based): chr17:43,074,480, T>C on the plus strand (A>G on the coding strand, the complement: BRCA1 is on the minus strand). VCF-style: chr17-43074480-T-C. GRCh37 (hg19) VCF-style: chr17-41226497-T-C.
Other names: c.4319A>G, p.Tyr1440Cys (NM_001407874.1, NM_001407875.1); c.1214A>G, p.Tyr405Cys (NM_001408472.1, NM_001407979.1, NM_001407980.1 and 13 more transcripts); c.1211A>G, p.Tyr404Cys (NM_001408473.1, NM_001408392.1, NM_001408396.1 and 8 more transcripts); c.4517A>G, p.Tyr1506Cys (NM_001407645.1, NM_001407644.1); c.4514A>G, p.Tyr1505Cys (NM_001407646.1); c.4511A>G, p.Tyr1504Cys (NM_001407647.1); c.4526A>G, p.Tyr1509Cys (NM_001407652.1, NM_001407854.1, NM_001407593.1 and 8 more transcripts); c.4448A>G, p.Tyr1483Cys (NM_001407655.1, NM_001407653.1, NM_001407654.1); and 68 more; short protein forms Y1509C, Y1530C, Y1462C, Y405C, Y1212C, Y1380C, Y1396C, Y1437C.
Identifiers: ClinVar variation 441381 (VCV000441381.9), dbSNP rs1555582023, ClinGen allele CA10592470.